The following is an entry in ClinVar:

NM_001038603.3(MARVELD2):c.666C>G (p.Tyr222Ter)

Gene: MARVELD2 (MARVEL domain containing 2; plus strand). Cytogenetic location: 5q13.2.
Variant type: single nucleotide variant.
Coding change: c.666C>G on transcript NM_001038603.3 (MANE Select); coding-DNA position 666, C replaced by G.
Protein change: p.Tyr222Ter; replaces tyrosine 222 with a stop codon.
Molecular consequence: nonsense.
Genome position (GRCh38, 1-based): chr5:69,420,051, C>G. VCF-style: chr5-69420051-C-G. GRCh37 (hg19) VCF-style: chr5-68715878-C-G.
Other names: c.666C>G, p.Tyr222Ter (NM_001244734.2); short protein forms Y222*.
Identifiers: ClinVar variation 2572552 (VCV002572552.1), dbSNP rs35496654, ClinGen allele CA359924162.
Genomic context (GRCh38, chr5:69,420,051, plus strand): 5'-TTTGGGGGCCGGTGTCTTTGCTTGTGTCACAGCTTACATTCACAAGGACAGTGAGTGGTA[C>G]AACTTGTTTGGATATTCACAACCGTATGGCATGGGAGGCGTTGGTGGATTGGGCAGTATG-3'

ClinVar aggregate classification (germline): Pathogenic (1 of 4 stars; one submission).

Conditions:
Autosomal recessive nonsyndromic hearing loss 49. Also called: Deafness, neurosensory, autosomal recessive 49. Identifiers: Orphanet 90636, MedGen C1857811, MONDO:0012420, OMIM 610153.

Submission:

3billion
Classification: Pathogenic for Autosomal recessive nonsyndromic hearing loss 49. Review status: criteria provided, single submitter. Criteria: ACMG Guidelines, 2015. Collection method: clinical testing. Allele origin: unknown. Affected: yes. Observed: 2 variant alleles, 2 homozygotes. Clinical features observed: Hearing impairment (HP:0000365), Severe hearing impairment (HP:0012714), Sensorineural hearing loss disorder (HP:0000407), Absent speech (HP:0001344), Conductive hearing impairment (HP:0000405), Severe sensorineural hearing impairment (HP:0008625), Congenital conductive hearing impairment (HP:0008591), Bilateral (HP:0012832).
Comment: The variant is not observed in the gnomAD v2.1.1 dataset. This homozygous variant is predicted to result in a loss or disruption of normal protein function through nonsense-mediated decay (NMD) or protein truncation. Multiple pathogenic variants are reported downstream of the variant. Therefore, this variant is classified as Pathogenic according to the recommendation of ACMG/AMP guideline.